The following is an entry in ClinVar:

ClinVar aggregate classification (germline): Uncertain significance (1 of 4 stars; one submission).

Conditions:
Emery-Dreifuss muscular dystrophy (EDMD). Also called: Scapuloperoneal syndrome, X-linked (formerly); Humeroperoneal neuromuscular disease, (formerly). Identifiers: Orphanet 261, MedGen C0410189, MONDO:0016830.

Allele frequency attached by ClinVar (database versions not stated): gnomAD 0.00001; TOPMed 0.00001.
gnomAD v4.1: 15 of 1,613,706 alleles (0.00093%); highest among the groups gnomAD compares: Non-Finnish European, 0.0013%; no homozygotes.

Submission:

Labcorp Genetics (formerly Invitae), Labcorp
Classification: Uncertain significance for Emery-Dreifuss muscular dystrophy. Last evaluated: 2022-02-18. Review status: criteria provided, single submitter. Criteria: Invitae Variant Classification Sherloc (09022015). Collection method: clinical testing. Allele origin: germline.
Comment: In summary, the available evidence is currently insufficient to determine the role of this variant in disease. Therefore, it has been classified as a Variant of Uncertain Significance. Algorithms developed to predict the effect of missense changes on protein structure and function are either unavailable or do not agree on the potential impact of this missense change (SIFT: "Deleterious"; PolyPhen-2: "Benign"; Align-GVGD: "Class C0"). This variant has not been reported in the literature in individuals affected with SUN2-related conditions. This variant is present in population databases (rs780037165, gnomAD 0.002%). This sequence change replaces serine, which is neutral and polar, with tyrosine, which is neutral and polar, at codon 85 of the SUN2 protein (p.Ser85Tyr).

NM_015374.3(SUN2):c.254C>A (p.Ser85Tyr)

Gene: SUN2 (Sad1 and UNC84 domain containing 2; minus strand). Cytogenetic location: 22q13.1.
Variant type: single nucleotide variant.
Coding change: c.254C>A on transcript NM_015374.3 (MANE Select); coding-DNA position 254, C replaced by A.
Protein change: p.Ser85Tyr; replaces serine 85 with tyrosine.
Molecular consequence: missense variant. On other transcripts: intron variant (1).
Genome position (GRCh38, 1-based): chr22:38,751,242, G>T on the plus strand (C>A on the coding strand, the complement: SUN2 is on the minus strand). VCF-style: chr22-38751242-G-T. GRCh37 (hg19) VCF-style: chr22-39147247-G-T.
Other names: c.254C>A, p.Ser85Tyr (NM_001199579.2, NM_001199580.2, NM_001394427.1 and 16 more transcripts); c.164C>A, p.Ser55Tyr (NM_001394438.1); c.122+1265C>A (NM_001394443.1); short protein forms S55Y, S85Y.
Identifiers: ClinVar variation 2042084 (VCV002042084.4), dbSNP rs780037165, ClinGen allele CA324309276.